The following is an entry in ClinVar:

ClinVar aggregate classification (germline): Likely benign. Review status: criteria provided, multiple submitters, no conflicts (2 of 4 stars). 2 submissions from 2 submitters: Likely benign (2). Last evaluated 2025-08-05.

Submissions (2):

Mayo Clinic Laboratories, Mayo Clinic
Classification: Likely benign. Last evaluated: 2025-08-05. Review status: criteria provided, single submitter. Criteria: ACMG Guidelines, 2015. Collection method: clinical testing. Allele origin: germline. Observed: 3 variant alleles.
Comment: BS1, BP4, BP7

Blueprint Genetics
Classification: Likely benign. Last evaluated: 2024-11-26. Review status: criteria provided, single submitter. Criteria: ACMG Guidelines, 2015. Collection method: clinical testing. Allele origin: germline.

NM_000340.2(SLC2A2):c.*8dup (p.Ter525=)

Gene: SLC2A2 (solute carrier family 2 member 2; minus strand). Cytogenetic location: 3q26.2.
Variant type: Duplication.
Coding change: c.*8dup on transcript NM_000340.2 (MANE Select); 8 bases downstream of the stop codon, one base duplicated (A; older notation c.*8dupA).
Protein change: p.Ter525=.
Molecular consequence: no sequence alteration.
Genome position (GRCh38, 1-based): chr3:170,997,895, T duplicated on the plus strand (A on the coding strand, the reverse complement: SLC2A2 is on the minus strand); the first of 10 consecutive T bases (chr3:170,997,895-170,997,904); duplicating any one gives the same sequence. VCF-style (leftmost placement, unchanged base first): chr3-170997894-G-GT. GRCh37 (hg19) VCF-style: chr3-170715683-G-GT.
Other names: p.=; c.*8dup, p.Ter406= (NM_001278658.2); c.*8dup, p.Ter352= (NM_001278659.2).
Identifiers: ClinVar variation 4684740 (VCV004684740.2).